The following is an entry in ClinVar:

NC_000009.12:g.35658026_35658045dup

Gene: RMRP (RNA component of mitochondrial RNA processing endoribonuclease; minus strand). Cytogenetic location: 9p13.3.
Variant type: Duplication.
Genome position: GRCh38 VCF-style: chr9-35658024-C-CTCAGCTTCACAGAGTAGTAT. GRCh37 (hg19) VCF-style: chr9-35658021-C-CTCAGCTTCACAGAGTAGTAT.
Identifiers: ClinVar variation 1454021 (VCV001454021.6), dbSNP rs2131809930, ClinGen allele CA2573144654.

ClinVar aggregate classification (germline): Pathogenic (1 of 4 stars; one submission).

Conditions:
Anauxetic dysplasia. Identifiers: Orphanet 93347, MedGen C1846796, MONDO:0011773.

Submission:

Labcorp Genetics (formerly Invitae), Labcorp
Classification: Pathogenic for Anauxetic dysplasia. Last evaluated: 2024-10-21. Review status: criteria provided, single submitter. Criteria: Invitae Variant Classification Sherloc (09022015). Collection method: clinical testing. Allele origin: germline.
Comment: This variant occurs in the RMRP gene, which encodes an RNA molecule that does not result in a protein product. This variant is not present in population databases (gnomAD no frequency). While this particular variant has not been reported in the literature, it is located in the promoter region between the TATA box and the transcription initiation site, and other insertions and duplications immediately upstream of the coding sequence have been reported in individuals affected with cartilage-hair hypoplasia-anauxetic dysplasia (CHH-AD) spectrum disorders (PMID: 16244706, 11207361, 12107819). While functional studies for this variant have not been reported, experimental analyses using patient derived cells, as well as in vitro transfection studies, have shown that promoter insertions result in silencing of RMRP transcription and reduced expression of the gene product (PMID: 11207361, 16254002). For these reasons, this variant has been classified as Pathogenic.

Literature cited by the submitters: PubMed 16244706; PubMed 11207361; PubMed 12107819; PubMed 16254002.